The following is an entry in ClinVar:

NM_000310.4(PPT1):c.628-1G>T

Gene: PPT1 (palmitoyl-protein thioesterase 1; minus strand). Cytogenetic location: 1p34.2.
Variant type: single nucleotide variant.
Coding change: c.628-1G>T on transcript NM_000310.4 (MANE Select); the canonical splice acceptor site of the intron before coding-DNA position 628, G replaced by T.
Molecular consequence: splice acceptor variant.
Genome position (GRCh38, 1-based): chr1:40,078,659, C>A on the plus strand (G>T on the coding strand, the complement: PPT1 is on the minus strand). VCF-style: chr1-40078659-C-A. GRCh37 (hg19) VCF-style: chr1-40544331-C-A.
Other names: c.319-1G>T (NM_001142604.2); c.628-1G>T (NM_001363695.2).
Identifiers: ClinVar variation 56208 (VCV000056208.18), dbSNP rs386833659, ClinGen allele CA263536.

ClinVar aggregate classification (germline): Pathogenic. Review status: criteria provided, multiple submitters, no conflicts (2 of 4 stars). 8 submissions from 8 submitters: Pathogenic (6). 2 of the submissions do not count toward it. Last evaluated 2025-06-09.

Conditions:
PPT1-related disorder. Also called: PPT1-related condition.
Neuronal ceroid lipofuscinosis. Also called: Neuronal Ceroid Lipofuscinoses. Identifiers: Orphanet 216, Orphanet 79263, MedGen C0027877, MONDO:0016295. Disease mechanism: loss of function.
Neuronal ceroid lipofuscinosis 1 (CLN1). Also called: CEROID LIPOFUSCINOSIS, NEURONAL, 1, VARIABLE AGE AT ONSET; PPT1-Related Neuronal Ceroid-Lipofuscinosis. Identifiers: Orphanet 228329, MedGen C1850451, MONDO:0009744, OMIM 256730.

Allele frequency attached by ClinVar (database versions not stated): gnomAD exomes below 0.00001; gnomAD 0.00001; TOPMed 0.00001.
gnomAD v4.1: 3 of 1,612,482 alleles (0.00019%); highest among the groups gnomAD compares: Non-Finnish European, 0.00025%; no homozygotes.

Submissions (8):

Natera, Inc.
Classification: Pathogenic for Neuronal ceroid lipofuscinosis 1. Last evaluated: 2025-06-09. Review status: criteria provided, single submitter. Criteria: Natera Variant Classification Schema (03/2026). Collection method: clinical testing. Allele origin: germline.
Comment: The c.628-1G>T variant in PPT1 is a canonical splice acceptor site variant predicted to affect pre-mRNA splicing, which may result in an abnormal transcript and altered protein product. This variant is expected to result in nonsense mediated decay, truncation, or a dysfunctional protein product. This variant is rare in the general population with a frequency below the threshold expected for the associated phenotype(s). This variant has been observed in one or more individuals affected with the associated recessive disease, as either homozygous or compound heterozygous with a second variant (PMID: 28559085, 10679943). Given the available evidence, this variant is classified as Pathogenic.

Labcorp Genetics (formerly Invitae), Labcorp
Classification: Pathogenic for Neuronal ceroid lipofuscinosis 1. Last evaluated: 2025-06-03. Review status: criteria provided, single submitter. Criteria: Invitae Variant Classification Sherloc (09022015). Collection method: clinical testing. Allele origin: germline.
Comment: This sequence change affects an acceptor splice site in intron 6 of the PPT1 gene. It is expected to disrupt RNA splicing. Variants that disrupt the donor or acceptor splice site typically lead to a loss of protein function (PMID: 16199547), and loss-of-function variants in PPT1 are known to be pathogenic (PMID: 10679943, 21990111). This variant is not present in population databases (gnomAD no frequency). Disruption of this splice site has been observed in individual(s) with infantile neuronal ceroid lipofuscinosis (PMID: 10679943). In at least one individual the data is consistent with being in trans (on the opposite chromosome) from a pathogenic variant. This variant is also known as IVS6-1G>T. ClinVar contains an entry for this variant (Variation ID: 56208). Algorithms developed to predict the effect of sequence changes on RNA splicing suggest that this variant may disrupt the consensus splice site. For these reasons, this variant has been classified as Pathogenic.

Baylor Genetics
Classification: Pathogenic for Neuronal ceroid lipofuscinosis 1. Last evaluated: 2023-10-03. Review status: criteria provided, single submitter. Criteria: ACMG Guidelines, 2015. Collection method: clinical testing. Allele origin: unknown.

Blueprint Genetics
Classification: Pathogenic for PPT1-related disorders. Last evaluated: 2022-11-02. Review status: criteria provided, single submitter. Criteria: ACMG Guidelines, 2015. Collection method: clinical testing. Allele origin: germline. Affected: yes. Observed: 1 variant allele.

Revvity Omics, Revvity
Classification: Pathogenic for Neuronal ceroid lipofuscinosis 1. Last evaluated: 2019-10-21. Review status: criteria provided, single submitter. Criteria: ACMG Guidelines, 2015. Collection method: clinical testing. Allele origin: germline.

Women's Health and Genetics/Laboratory Corporation of America, LabCorp
Classification: Pathogenic for Neuronal ceroid lipofuscinosis. Last evaluated: 2016-05-06. Review status: criteria provided, single submitter. Criteria: LabCorp Variant Classification Summary - May 2015. Collection method: clinical testing. Allele origin: germline.
Comment: Variant summary: The c.628-1G>T in a PPT1 gene is a splice-site variant that alters a conserved nucleotide. 5/5 in silico tools in Alamut predict this variant to disrupt a canonical acceptor sequence, however these predictions have yet to be confirmed by functional assay. The variant is absent from ExAC but has been reported in multiple affected patients presented with infantile neuronal ceroid lipofuscinoses. In addition, a reputable database/diagnostic center classified the variant of interest as Likely Pathogenic. Taken together, the variant was classified as pathogenic.

Counsyl
Classification: Likely pathogenic for Neuronal ceroid lipofuscinosis 1. Last evaluated: 2016-01-07. Review status: no assertion criteria provided. Collection method: clinical testing. Allele origin: unknown. Not counted in ClinVar's aggregate classification.

Juha Muilu Group; Institute for Molecular Medicine Finland (FIMM)
Classification: Likely pathogenic for Ceroid lipofuscinosis neuronal 1. Review status: no assertion criteria provided. Collection method: not provided. Allele origin: unknown. Not counted in ClinVar's aggregate classification.
Comment: FinDis database variant: This variant was not found or characterized by our laboratory, data were collected from public sources: see reference
ClinVar note: Converted during submission from probable-pathogenic to Likely pathogenic.

Literature cited by the submitters: PubMed 28559085 (cited by Natera, Inc.); PubMed 10679943 (cited by 4 submitters); PubMed 16199547 (cited by Labcorp Genetics (formerly Invitae), Labcorp); PubMed 21990111 (cited by Labcorp Genetics (formerly Invitae), Labcorp); PubMed 11589012 (cited by Women's Health and Genetics/Laboratory Corporation of America, LabCorp); PubMed 17565660 (cited by Women's Health and Genetics/Laboratory Corporation of America, LabCorp).